The following is an entry in ClinVar:

ClinVar aggregate classification (germline): Uncertain significance (1 of 4 stars; one submission).

Conditions:
Rhabdoid tumor predisposition syndrome 2 (RTPS2). Identifiers: Orphanet 231108, Orphanet 69077, MedGen C2750074, MONDO:0013224, OMIM 613325.

gnomAD v4.1: 1 of 1,613,948 alleles (0.000062%); highest among the groups gnomAD compares: Non-Finnish European, 0.000085%; no homozygotes.

Submission:

Labcorp Genetics (formerly Invitae), Labcorp
Classification: Uncertain significance for Rhabdoid tumor predisposition syndrome 2. Last evaluated: 2025-11-05. Review status: criteria provided, single submitter. Criteria: Invitae Variant Classification Sherloc (09022015). Collection method: clinical testing. Allele origin: germline.
Comment: This sequence change replaces alanine, which is neutral and non-polar, with serine, which is neutral and polar, at codon 130 of the SMARCA4 protein (p.Ala130Ser). This variant is not present in population databases (gnomAD no frequency). This variant has not been reported in the literature in individuals affected with SMARCA4-related conditions. Invitae Evidence Modeling of protein sequence and biophysical properties (such as structural, functional, and spatial information, amino acid conservation, physicochemical variation, residue mobility, and thermodynamic stability) indicates that this missense variant is not expected to disrupt SMARCA4 protein function with a negative predictive value of 95%. In summary, the available evidence is currently insufficient to determine the role of this variant in disease. Therefore, it has been classified as a Variant of Uncertain Significance.

NM_003072.5(SMARCA4):c.388G>T (p.Ala130Ser)

Gene: SMARCA4 (SWI/SNF related BAF chromatin remodeling complex subunit ATPase 4; plus strand). Cytogenetic location: 19p13.2.
Variant type: single nucleotide variant.
Coding change: c.388G>T on transcript NM_003072.5 (MANE Select); coding-DNA position 388, G replaced by T.
Protein change: p.Ala130Ser; replaces alanine 130 with serine.
Molecular consequence: missense variant. On other transcripts: non-coding transcript variant (1).
Genome position (GRCh38, 1-based): chr19:10,986,221, G>T. VCF-style: chr19-10986221-G-T. GRCh37 (hg19) VCF-style: chr19-11096897-G-T.
Other names: c.388G>T, p.Ala130Ser (NM_001128844.3, NM_001128845.2, NM_001128846.2 and 6 more transcripts); short protein forms A130S.
Identifiers: ClinVar variation 4809230 (VCV004809230.1).
Genomic context (GRCh38, chr19:10,986,221, plus strand): 5'-TGACCAGTGGGCTGACCTTTCTCTGCAGGTTACCCCTCGCCCCTGGGTGGCTCTGAGCAT[G>T]CCTCTAGTCCAGTTCCAGCCAGTGGCCCGTCTTCGGGGCCCCAGATGTCTTCCGGGCCAG-3'
Protein context (NP_003063.2, residues 120-140): YPSPLGGSEH[Ala130Ser]SSPVPASGPS